The following is an entry in ClinVar:

NM_033305.3(VPS13A):c.6079C>A (p.Pro2027Thr)

Gene: VPS13A (vacuolar protein sorting 13 homolog A; plus strand). Cytogenetic location: 9q21.2.
Variant type: single nucleotide variant.
Coding change: c.6079C>A on transcript NM_033305.3 (MANE Select); coding-DNA position 6079, C replaced by A.
Protein change: p.Pro2027Thr; replaces proline 2027 with threonine.
Molecular consequence: missense variant.
Genome position (GRCh38, 1-based): chr9:77,332,097, C>A. VCF-style: chr9-77332097-C-A. GRCh37 (hg19) VCF-style: chr9-79947013-C-A.
Other names: c.5962C>A, p.Pro1988Thr (NM_001018037.2); c.6079C>A, p.Pro2027Thr (NM_001018038.3, NM_015186.4); c.6079C>A (NM_033305.2); short protein forms P2027T, P1988T.
Identifiers: ClinVar variation 1981741 (VCV001981741.5), dbSNP rs756646733, ClinGen allele CA373847797.

ClinVar aggregate classification (germline): Uncertain significance. Review status: criteria provided, multiple submitters, no conflicts (2 of 4 stars). 2 submissions from 2 submitters: Uncertain significance (2). Last evaluated 2025-10-29.

Conditions:
Inborn genetic diseases. Identifiers: MedGen C0950123, MeSH D030342.

Submissions (2):

Ambry Genetics
Classification: Uncertain significance for Inborn genetic diseases. Last evaluated: 2025-10-29. Review status: criteria provided, single submitter. Criteria: Ambry Variant Classification Scheme 2023. Collection method: clinical testing. Allele origin: germline.

Labcorp Genetics (formerly Invitae), Labcorp
Classification: Uncertain significance. Last evaluated: 2024-10-21. Review status: criteria provided, single submitter. Criteria: Invitae Variant Classification Sherloc (09022015). Collection method: clinical testing. Allele origin: germline.
Comment: This sequence change replaces proline, which is neutral and non-polar, with threonine, which is neutral and polar, at codon 2027 of the VPS13A protein (p.Pro2027Thr). This variant is not present in population databases (gnomAD no frequency). This variant has not been reported in the literature in individuals affected with VPS13A-related conditions. ClinVar contains an entry for this variant (Variation ID: 1981741). Invitae Evidence Modeling of protein sequence and biophysical properties (such as structural, functional, and spatial information, amino acid conservation, physicochemical variation, residue mobility, and thermodynamic stability) indicates that this missense variant is not expected to disrupt VPS13A protein function with a negative predictive value of 80%. In summary, the available evidence is currently insufficient to determine the role of this variant in disease. Therefore, it has been classified as a Variant of Uncertain Significance.